The following is an entry in ClinVar:

NM_001394372.1(BICRA):c.1767C>T (p.Pro589=)

Gene: BICRA (BRD4 interacting chromatin remodeling complex associated protein; plus strand). Cytogenetic location: 19q13.33.
Variant type: single nucleotide variant.
Coding change: c.1767C>T on transcript NM_001394372.1 (MANE Select); coding-DNA position 1767, C replaced by T.
Protein change: p.Pro589=; no amino-acid change (proline 589 retained).
Molecular consequence: synonymous variant.
Genome position (GRCh38, 1-based): chr19:47,680,937, C>T. VCF-style: chr19-47680937-C-T. GRCh37 (hg19) VCF-style: chr19-48184194-C-T.
Other names: c.1767C>T, p.Pro589= (NM_015711.3).
Identifiers: ClinVar variation 3025284 (VCV003025284.22), dbSNP rs770829678, ClinGen allele CA9541795.

ClinVar aggregate classification (germline): Likely benign (1 of 4 stars; one submission).

Allele frequency attached by ClinVar (database versions not stated): TOPMed 0.00017; gnomAD 0.00018; gnomAD exomes 0.00023; 1000 Genomes Project 30x 0.00047; ExAC 0.00175.
gnomAD v4.1: 348 of 1,478,470 alleles (0.024%); highest among the groups gnomAD compares: Admixed American, 0.027%; 2 homozygotes.

Submission:

CeGaT Center for Human Genetics Tuebingen
Classification: Likely benign. Last evaluated: 2026-04-01. Review status: criteria provided, single submitter. Criteria: CeGaT Center For Human Genetics Tuebingen Variant Classification Criteria Version 2. Collection method: clinical testing. Allele origin: germline. Affected: yes. Observed: 2 variant alleles.
Comment: BICRA: BP4, BP7